The following is an entry in ClinVar:

ClinVar aggregate classification (germline): Conflicting classifications of pathogenicity. Review status: criteria provided, conflicting classifications (1 of 4 stars). 3 submissions from 3 submitters: Uncertain significance (1); Benign (1); Likely benign (1). Last evaluated 2025-06-19.

Conditions:
Emery-Dreifuss muscular dystrophy 5, autosomal dominant (EDMD5). Also called: EMERY-DREIFUSS MUSCULAR DYSTROPHY 5. Identifiers: Orphanet 261, MedGen C2751805, MONDO:0013072, OMIM 612999.

Allele frequency attached by ClinVar (database versions not stated): gnomAD exomes 0.00002 and 0.00006; ExAC 0.00009; ESP Exome Variant Server 0.00017; 1000 Genomes Project 0.00040; TOPMed 0.00045; gnomAD 0.00048 and 0.00051; 1000 Genomes Project 30x 0.00062.
gnomAD v4.1: 100 of 1,613,756 alleles (0.0062%); highest among the groups gnomAD compares: African/African-American, 0.13%; no homozygotes.

Submissions (3):

Ambry Genetics
Classification: Uncertain significance. Last evaluated: 2025-06-19. Review status: criteria provided, single submitter. Criteria: Ambry Variant Classification Scheme 2023. Collection method: clinical testing. Allele origin: germline.

Labcorp Genetics (formerly Invitae), Labcorp
Classification: Likely benign for Emery-Dreifuss muscular dystrophy 5, autosomal dominant. Last evaluated: 2023-10-05. Review status: criteria provided, single submitter. Criteria: Invitae Variant Classification Sherloc (09022015). Collection method: clinical testing. Allele origin: germline.

Illumina Laboratory Services, Illumina
Classification: Benign for Emery-Dreifuss muscular dystrophy 5, autosomal dominant. Last evaluated: 2018-01-12. Review status: criteria provided, single submitter. Criteria: ICSL Variant Classification Criteria 13 December 2019. Collection method: clinical testing. Allele origin: germline.
Comment: This variant was observed in the ICSL laboratory as part of a predisposition screen in an ostensibly healthy population. It had not been previously curated by ICSL or reported in the Human Gene Mutation Database (HGMD: prior to June 1st, 2018), and was therefore a candidate for classification through an automated scoring system. Utilizing variant allele frequency, disease prevalence and penetrance estimates, and inheritance mode, an automated score was calculated to assess if this variant is too frequent to cause the disease. Based on the score and internal cut-off values, a variant classified as benign is not then subjected to further curation. The score for this variant resulted in a classification of benign for this disease.

NM_182914.3(SYNE2):c.8567T>G (p.Leu2856Arg)

Gene: SYNE2 (spectrin repeat containing nuclear envelope protein 2; plus strand). Cytogenetic location: 14q23.2.
Variant type: single nucleotide variant.
Coding change: c.8567T>G on transcript NM_182914.3 (MANE Select); coding-DNA position 8567, T replaced by G.
Protein change: p.Leu2856Arg; replaces leucine 2856 with arginine.
Molecular consequence: missense variant.
Genome position (GRCh38, 1-based): chr14:64,052,480, T>G. VCF-style: chr14-64052480-T-G. GRCh37 (hg19) VCF-style: chr14-64519198-T-G.
Other names: c.8567T>G, p.Leu2856Arg (NM_015180.6); short protein forms L2856R.
Identifiers: ClinVar variation 881115 (VCV000881115.10), dbSNP rs73277593, ClinGen allele CA7221132.